The following is an entry in ClinVar:

ClinVar aggregate classification (germline): Uncertain significance. Review status: criteria provided, multiple submitters, no conflicts (2 of 4 stars). 3 submissions from 3 submitters: Uncertain significance (3). Last evaluated 2024-10-15.

Conditions:
Familial cancer of breast. Also called: Hereditary breast cancer; hereditary breast carcinoma; BREAST CANCER, FAMILIAL. Identifiers: Orphanet 227535, MedGen C0346153, MONDO:0016419, OMIM 114480. Disease mechanism: loss of function.
Fanconi anemia complementation group J. Also called: BRIP1-Related Fanconi Anemia. Identifiers: Orphanet 84, MedGen C1836860, MONDO:0012187, OMIM 609054.
Hereditary cancer-predisposing syndrome. Also called: Hereditary Cancer Syndrome; Neoplastic Syndromes, Hereditary; Hereditary neoplastic syndrome; Tumor predisposition. Identifiers: Orphanet 140162, MedGen C0027672, MeSH D009386, MONDO:0015356.

Submissions (3):

Labcorp Genetics (formerly Invitae), Labcorp
Classification: Uncertain significance for Familial cancer of breast; Fanconi anemia complementation group J. Last evaluated: 2024-10-15. Review status: criteria provided, single submitter. Criteria: Invitae Variant Classification Sherloc (09022015). Collection method: clinical testing. Allele origin: germline.
Comment: This sequence change replaces serine, which is neutral and polar, with asparagine, which is neutral and polar, at codon 1001 of the BRIP1 protein (p.Ser1001Asn). This variant is not present in population databases (gnomAD no frequency). This variant has not been reported in the literature in individuals affected with BRIP1-related conditions. ClinVar contains an entry for this variant (Variation ID: 822555). Invitae Evidence Modeling of protein sequence and biophysical properties (such as structural, functional, and spatial information, amino acid conservation, physicochemical variation, residue mobility, and thermodynamic stability) indicates that this missense variant is not expected to disrupt BRIP1 protein function with a negative predictive value of 95%. In summary, the available evidence is currently insufficient to determine the role of this variant in disease. Therefore, it has been classified as a Variant of Uncertain Significance.

GeneDx
Classification: Uncertain significance. Last evaluated: 2024-05-31. Review status: criteria provided, single submitter. Criteria: GeneDx Variant Classification Process June 2021. Collection method: clinical testing. Allele origin: germline. Affected: yes.
Comment: Not observed at significant frequency in large population cohorts (gnomAD); In silico analysis indicates that this missense variant does not alter protein structure/function; Has not been previously published as pathogenic or benign to our knowledge; This variant is associated with the following publications: (PMID: 11301010)

Ambry Genetics
Classification: Uncertain significance for Hereditary cancer-predisposing syndrome. Last evaluated: 2019-07-13. Review status: criteria provided, single submitter. Criteria: Ambry Variant Classification Scheme 2023. Collection method: clinical testing. Allele origin: germline.
Comment: The p.S1001N variant (also known as c.3002G>A), located in coding exon 19 of the BRIP1 gene, results from a G to A substitution at nucleotide position 3002. The serine at codon 1001 is replaced by asparagine, an amino acid with highly similar properties. This amino acid position is not well conserved in available vertebrate species. In addition, this alteration is predicted to be tolerated by in silico analysis. Since supporting evidence is limited at this time, the clinical significance of this alteration remains unclear.

NM_032043.3(BRIP1):c.3002G>A (p.Ser1001Asn)

Gene: BRIP1 (BRCA1 interacting DNA helicase 1; minus strand). Cytogenetic location: 17q23.2.
Variant type: single nucleotide variant.
Coding change: c.3002G>A on transcript NM_032043.3 (MANE Select); coding-DNA position 3002, G replaced by A.
Protein change: p.Ser1001Asn; replaces serine 1001 with asparagine.
Molecular consequence: missense variant.
Genome position (GRCh38, 1-based): chr17:61,684,044, C>T on the plus strand (G>A on the coding strand, the complement: BRIP1 is on the minus strand). VCF-style: chr17-61684044-C-T. GRCh37 (hg19) VCF-style: chr17-59761405-C-T.
Other names: short protein forms S1001N.
Identifiers: ClinVar variation 822555 (VCV000822555.14), dbSNP rs1603275610, ClinGen allele CA400480019.